The following is an entry in ClinVar:

ClinVar aggregate classification (germline): Uncertain significance. Review status: criteria provided, multiple submitters, no conflicts (2 of 4 stars). 2 submissions from 2 submitters: Uncertain significance (2). Last evaluated 2025-12-28.

Conditions:
Cystic fibrosis (CF). Also called: MUCOVISCIDOSIS. Identifiers: Orphanet 586, MedGen C0010674, MONDO:0009061, OMIM 219700. Disease mechanism: loss of function.

Submissions (2):

Labcorp Genetics (formerly Invitae), Labcorp
Classification: Uncertain significance for Cystic fibrosis. Last evaluated: 2025-12-28. Review status: criteria provided, single submitter. Criteria: Invitae Variant Classification Sherloc (09022015). Collection method: clinical testing. Allele origin: germline.
Comment: This sequence change replaces isoleucine, which is neutral and non-polar, with valine, which is neutral and non-polar, at codon 121 of the CFTR protein (p.Ile121Val). This variant is not present in population databases (gnomAD no frequency). This variant has not been reported in the literature in individuals affected with CFTR-related conditions. ClinVar contains an entry for this variant (Variation ID: 1313140). Invitae Evidence Modeling of protein sequence and biophysical properties (such as structural, functional, and spatial information, amino acid conservation, physicochemical variation, residue mobility, and thermodynamic stability) has been performed for this missense variant. However, the output from this modeling did not meet the statistical confidence thresholds required to predict the impact of this variant on CFTR protein function. In summary, the available evidence is currently insufficient to determine the role of this variant in disease. Therefore, it has been classified as a Variant of Uncertain Significance.

GeneDx
Classification: Uncertain significance. Last evaluated: 2020-07-27. Review status: criteria provided, single submitter. Criteria: GeneDx Variant Classification Process June 2021. Collection method: clinical testing. Allele origin: germline. Affected: yes.
Comment: Not observed in large population cohorts (Lek et al., 2016); In silico analysis supports that this missense variant does not alter protein structure/function; Has not been previously published as pathogenic or benign to our knowledge; This variant is associated with the following publications: (PMID: 29099293)

NM_000492.4(CFTR):c.361A>G (p.Ile121Val)

Gene: CFTR (CF transmembrane conductance regulator; plus strand). Cytogenetic location: 7q31.2.
Variant type: single nucleotide variant.
Coding change: c.361A>G on transcript NM_000492.4 (MANE Select); coding-DNA position 361, A replaced by G.
Protein change: p.Ile121Val; replaces isoleucine 121 with valine.
Molecular consequence: missense variant.
Genome position (GRCh38, 1-based): chr7:117,530,986, A>G. VCF-style: chr7-117530986-A-G. GRCh37 (hg19) VCF-style: chr7-117171040-A-G.
Other names: short protein forms I121V.
Identifiers: ClinVar variation 1313140 (VCV001313140.4), dbSNP rs574654063, ClinGen allele CA368974484.